The following is an entry in ClinVar:

ClinVar aggregate classification (germline): Uncertain significance (1 of 4 stars; one submission).

Conditions:
Focal segmental glomerulosclerosis 2 (FSGS2). Identifiers: Orphanet 656, MedGen C1858915, MONDO:0011390, OMIM 603965.

Submission:

Diagnostics Services (NGS), CSIR - Centre For Cellular And Molecular Biology
Classification: Uncertain significance for Focal segmental glomerulosclerosis 2. Last evaluated: 2022-05-09. Review status: criteria provided, single submitter. Criteria: ACMG Guidelines, 2015. Collection method: clinical testing. Allele origin: unknown. Inheritance: Autosomal dominant inheritance. Affected: yes. Observed: 1 variant allele, 1 heterozygote.
Comment: The c.128G>T variant is not present in publicly available population databases like 1000 Genomes, Exome Variant Server (EVS), Exome Aggregation Consortium (ExAC), Genome Aggregation Database (gnomAD) and Indian Exome Database. The variant is not present in our in-house exome database. The variant was not previously reported to ClinVar, Human Genome Mutation Database (HGMD) and/or OMIM databases in any affected individuals. Predictions from different in-silico pathogenicity prediction programs like SIFT, PolyPhen-2, MutationTaster2, CADD, Varsome etc. are contradictory, however these predictions were not confirmed by any published functional studies.

Literature cited by the submitters: PubMed 16932363.

NM_004621.6(TRPC6):c.128G>T (p.Cys43Phe)

Gene: TRPC6 (transient receptor potential cation channel subfamily C member 6; minus strand). Cytogenetic location: 11q22.1.
Variant type: single nucleotide variant.
Coding change: c.128G>T on transcript NM_004621.6 (MANE Select); coding-DNA position 128, G replaced by T.
Protein change: p.Cys43Phe; replaces cysteine 43 with phenylalanine.
Molecular consequence: missense variant.
Genome position (GRCh38, 1-based): chr11:101,583,376, C>A on the plus strand (G>T on the coding strand, the complement: TRPC6 is on the minus strand). VCF-style: chr11-101583376-C-A. GRCh37 (hg19) VCF-style: chr11-101454107-C-A.
Other names: short protein forms C43F.
Identifiers: ClinVar variation 1691309 (VCV001691309.4), dbSNP rs2136909652, ClinGen allele CA382443972.